The following is an entry in ClinVar:

NM_002471.4(MYH6):c.4986G>A (p.Ala1662=)

Genes: MYH6 (myosin heavy chain 6; minus strand), LOC126861896 (BRD4-independent group 4 enhancer GRCh37_chr14:23854904-23856103; plus strand). Cytogenetic location: 14q11.2.
Variant type: single nucleotide variant.
Coding change: c.4986G>A on transcript NM_002471.4 (MANE Select); coding-DNA position 4986, G replaced by A.
Protein change: p.Ala1662=; no amino-acid change (alanine 1662 retained).
Molecular consequence: synonymous variant.
Genome position (GRCh38, 1-based): chr14:23,386,105, C>T on the plus strand (G>A on the coding strand, the complement: MYH6 is on the minus strand). VCF-style: chr14-23386105-C-T. GRCh37 (hg19) VCF-style: chr14-23855314-C-T.
Identifiers: ClinVar variation 44529 (VCV000044529.32), dbSNP rs77416370, ClinGen allele CA134454.

ClinVar aggregate classification (germline): Benign/Likely benign. Review status: criteria provided, multiple submitters, no conflicts (2 of 4 stars). 12 submissions from 12 submitters: Benign (6); Likely benign (2). 4 of the submissions do not count toward it. Last evaluated 2026-01-25.

Conditions:
Cardiovascular phenotype. Identifiers: MedGen CN230736.
Cardiomyopathy (CMYO). Also called: Cardiomyopathies. Identifiers: Orphanet 167848, MedGen C0878544, MONDO:0004994, HP:0001638. Inheritance: Various modes of inheritance.
Hypertrophic cardiomyopathy 14. Identifiers: MedGen C2750467, MONDO:0013197, OMIM 613251.

Allele frequency attached by ClinVar (database versions not stated): ESP Exome Variant Server 0.00015; gnomAD exomes 0.00058 and 0.00161; gnomAD 0.00066 and 0.00079; TOPMed 0.00125; ExAC 0.00141; 1000 Genomes Project 30x 0.00328; 1000 Genomes Project 0.00339.
gnomAD v4.1: 1,013 of 1,614,216 alleles (0.063%); highest among the groups gnomAD compares: East Asian, 1%; 4 homozygotes.

Submissions (12):

Labcorp Genetics (formerly Invitae), Labcorp
Classification: Benign for Hypertrophic cardiomyopathy 14. Last evaluated: 2026-01-25. Review status: criteria provided, single submitter. Criteria: Invitae Variant Classification Sherloc (09022015). Collection method: clinical testing. Allele origin: germline.

Blueprint Genetics
Classification: Likely benign. Last evaluated: 2024-11-25. Review status: criteria provided, single submitter. Criteria: ACMG Guidelines, 2015. Collection method: clinical testing. Allele origin: germline.

Women's Health and Genetics/Laboratory Corporation of America, LabCorp
Classification: Benign. Last evaluated: 2023-08-20. Review status: criteria provided, single submitter. Criteria: LabCorp Variant Classification Summary - May 2015. Collection method: clinical testing. Allele origin: germline.

GeneDx
Classification: Benign. Last evaluated: 2018-03-16. Review status: criteria provided, single submitter. Criteria: GeneDx Variant Classification Process June 2021. Collection method: clinical testing. Allele origin: germline. Affected: yes.

Ambry Genetics
Classification: Benign for Cardiovascular phenotype. Last evaluated: 2017-02-07. Review status: criteria provided, single submitter. Criteria: Ambry Variant Classification Scheme 2023. Collection method: clinical testing. Allele origin: germline.

CHEO Genetics Diagnostic Laboratory, Children's Hospital of Eastern Ontario
Classification: Benign for Cardiomyopathy. Last evaluated: 2016-08-30. Review status: criteria provided, single submitter. Criteria: ACMG Guidelines, 2015. Collection method: clinical testing. Allele origin: germline. Study: Canadian Open Genetics Repository.

Molecular Diagnostic Laboratory for Inherited Cardiovascular Disease, Montreal Heart Institute
Classification: Benign. Last evaluated: 2016-06-07. Review status: criteria provided, single submitter. Criteria: ACMG Guidelines, 2015. Collection method: clinical testing. Allele origin: germline. Affected: yes.

Laboratory for Molecular Medicine, Mass General Brigham Personalized Medicine
Classification: Likely benign. Last evaluated: 2012-03-19. Review status: criteria provided, single submitter. Criteria: LMM Criteria. Collection method: clinical testing. Allele origin: germline. Observed: 2 variant alleles.
Comment: Ala1662Ala in exon 34 of MYH6: This variant is not expected to have clinical sig nificance because it does not alter an amino acid residue and is not located wit hin the splice consensus sequence. It has been identified in 2/7020 European Ame rican chromosomes from a broad population by the NHLBI Exome Sequencing Project (dbSNP rs77416370). Ala1662Ala in exon 34 of MYH6 (rs77416370; allele frequency = 2/7020) **

Clinical Genetics, Academic Medical Center
Classification: Benign. Review status: no assertion criteria provided. Collection method: clinical testing. Allele origin: germline. Affected: yes. Study: VKGL Data-share Consensus. Not counted in ClinVar's aggregate classification.

Diagnostic Laboratory, Department of Genetics, University Medical Center Groningen
Classification: Likely benign. Review status: no assertion criteria provided. Collection method: clinical testing. Allele origin: germline. Affected: yes. Study: VKGL Data-share Consensus. Not counted in ClinVar's aggregate classification.

Genome Diagnostics Laboratory, University Medical Center Utrecht
Classification: Benign. Review status: no assertion criteria provided. Collection method: clinical testing. Allele origin: germline. Affected: yes. Study: VKGL Data-share Consensus. Not counted in ClinVar's aggregate classification.

Joint Genome Diagnostic Labs from Nijmegen and Maastricht, Radboudumc and MUMC+
Classification: Benign. Review status: no assertion criteria provided. Collection method: clinical testing. Allele origin: germline. Affected: yes. Study: VKGL Data-share Consensus. Not counted in ClinVar's aggregate classification.